The following is an entry in ClinVar:

ClinVar aggregate classification (germline): Pathogenic (1 of 4 stars; one submission).

Conditions:
Haddad syndrome (OHD). Also called: Ondine-Hirschsprung disease. Identifiers: Orphanet 99803, MedGen C1859049, MONDO:0020493.

Submission:

Labcorp Genetics (formerly Invitae), Labcorp
Classification: Pathogenic for Haddad syndrome. Last evaluated: 2018-02-17. Review status: criteria provided, single submitter. Criteria: Invitae Variant Classification Sherloc (09022015). Collection method: clinical testing. Allele origin: germline.
Comment: Loss-of-function variants in PHOX2B are known to be pathogenic (PMID: 25156769). This variant has not been reported in the literature in individuals with PHOX2B-related disease. This variant is not present in population databases (ExAC no frequency). This sequence change creates a premature translational stop signal (p.Gln74*) in the PHOX2B gene. It is expected to result in an absent or disrupted protein product. For these reasons, this variant has been classified as Pathogenic.

Literature cited by the submitters: PubMed 25156769.

NM_003924.4(PHOX2B):c.220C>T (p.Gln74Ter)

Genes: PHOX2B (paired like homeobox 2B; minus strand), PHOX2B-AS1 (PHOX2B antisense RNA 1; plus strand). Cytogenetic location: 4p13.
Variant type: single nucleotide variant.
Coding change: c.220C>T on transcript NM_003924.4 (MANE Select); coding-DNA position 220, C replaced by T.
Protein change: p.Gln74Ter; replaces glutamine 74 with a stop codon.
Molecular consequence: nonsense.
Genome position (GRCh38, 1-based): chr4:41,748,391, G>A on the plus strand (C>T on the coding strand, the complement: PHOX2B is on the minus strand). VCF-style: chr4-41748391-G-A. GRCh37 (hg19) VCF-style: chr4-41750408-G-A.
Other names: short protein forms Q74*.
Identifiers: ClinVar variation 535775 (VCV000535775.8), dbSNP rs1297909281, ClinGen allele CA356740822.
Genomic context (GRCh38, chr4:41,748,391, plus strand): 5'-AAGGCGGCTTCCTCCGCTGAGAAAGCTGAAGGTCCTTACCTGCGGCGTACGGACTGCTCT[G>A]GTGGTCCCTGAGGGTGCCCAGGCTGCAGGATCCCGGCGTGAGGGAAGGGCAGCCGGACGT-3'